The following is an entry in ClinVar:

NM_015267.4(CUX2):c.3162G>A (p.Lys1054=)

Gene: CUX2 (cut like homeobox 2; plus strand). Cytogenetic location: 12q24.12.
Variant type: single nucleotide variant.
Coding change: c.3162G>A on transcript NM_015267.4 (MANE Select); coding-DNA position 3162, G replaced by A.
Protein change: p.Lys1054=; no amino-acid change (lysine 1054 retained).
Molecular consequence: synonymous variant.
Genome position (GRCh38, 1-based): chr12:111,334,676, G>A. VCF-style: chr12-111334676-G-A. GRCh37 (hg19) VCF-style: chr12-111772480-G-A.
Other names: c.2976G>A, p.Lys992= (NM_001370598.1).
Identifiers: ClinVar variation 3043197 (VCV003043197.2), dbSNP rs544915357, ClinGen allele CA6789042.

ClinVar aggregate classification (germline): Likely benign (0 of 4 stars; one submission).

Conditions:
CUX2-related disorder. Also called: CUX2-related condition.

Allele frequency attached by ClinVar (database versions not stated): TOPMed 0.00002; gnomAD 0.00010; gnomAD exomes 0.00010; ExAC 0.00020; 1000 Genomes Project 0.00060; 1000 Genomes Project 30x 0.00062.
gnomAD v4.1: 153 of 1,612,636 alleles (0.0095%); highest among the groups gnomAD compares: South Asian, 0.16%; 3 homozygotes.

Submission:

PreventionGenetics, part of Exact Sciences
Classification: Likely benign for CUX2-related condition. Last evaluated: 2019-07-01. Review status: no assertion criteria provided. Collection method: clinical testing. Allele origin: germline.
Comment: This variant is classified as likely benign based on ACMG/AMP sequence variant interpretation guidelines (Richards et al. 2015 PMID: 25741868, with internal and published modifications).